The following is an entry in ClinVar:

NM_170606.3(KMT2C):c.2776A>G (p.Thr926Ala)

Gene: KMT2C (lysine methyltransferase 2C; minus strand). Cytogenetic location: 7q36.1.
Variant type: single nucleotide variant.
Coding change: c.2776A>G on transcript NM_170606.3 (MANE Select); coding-DNA position 2776, A replaced by G.
Protein change: p.Thr926Ala; replaces threonine 926 with alanine.
Molecular consequence: missense variant.
Genome position (GRCh38, 1-based): chr7:152,230,315, T>C on the plus strand (A>G on the coding strand, the complement: KMT2C is on the minus strand). VCF-style: chr7-152230315-T-C. GRCh37 (hg19) VCF-style: chr7-151927400-T-C.
Other names: short protein forms T926A.
Identifiers: ClinVar variation 2997829 (VCV002997829.3), dbSNP rs759892421, ClinGen allele CA370111127.

ClinVar aggregate classification (germline): Uncertain significance (1 of 4 stars; one submission).

Allele frequency attached by ClinVar (database versions not stated): gnomAD exomes below 0.00001.
gnomAD v4.1: 4 of 1,534,312 alleles (0.00026%); highest among the groups gnomAD compares: South Asian, 0.0012%; no homozygotes.

Submission:

Labcorp Genetics (formerly Invitae), Labcorp
Classification: Uncertain significance. Last evaluated: 2023-11-07. Review status: criteria provided, single submitter. Criteria: Invitae Variant Classification Sherloc (09022015). Collection method: clinical testing. Allele origin: germline.
Comment: This sequence change replaces threonine, which is neutral and polar, with alanine, which is neutral and non-polar, at codon 926 of the KMT2C protein (p.Thr926Ala). This variant is not present in population databases (gnomAD no frequency). This variant has not been reported in the literature in individuals affected with KMT2C-related conditions. Advanced modeling of protein sequence and biophysical properties (such as structural, functional, and spatial information, amino acid conservation, physicochemical variation, residue mobility, and thermodynamic stability) performed at Invitae indicates that this missense variant is not expected to disrupt KMT2C protein function with a negative predictive value of 80%. In summary, the available evidence is currently insufficient to determine the role of this variant in disease. Therefore, it has been classified as a Variant of Uncertain Significance.